The following is an entry in ClinVar:

ClinVar aggregate classification (germline): Uncertain significance (1 of 4 stars; one submission).

Allele frequency attached by ClinVar (database versions not stated): gnomAD exomes below 0.00001.
gnomAD v4.1: 4 of 1,608,122 alleles (0.00025%); highest among the groups gnomAD compares: Non-Finnish European, 0.00034%; no homozygotes.

Submission:

GeneDx
Classification: Uncertain significance. Last evaluated: 2022-10-26. Review status: criteria provided, single submitter. Criteria: GeneDx Variant Classification Process June 2021. Collection method: clinical testing. Allele origin: germline. Affected: yes.
Comment: Not observed at significant frequency in large population cohorts (gnomAD); In silico analysis supports that this missense variant does not alter protein structure/function; Has not been previously published as pathogenic or benign to our knowledge

NM_014727.3(KMT2B):c.3193G>A (p.Glu1065Lys)

Gene: KMT2B (lysine methyltransferase 2B; plus strand). Cytogenetic location: 19q13.12.
Variant type: single nucleotide variant.
Coding change: c.3193G>A on transcript NM_014727.3 (MANE Select); coding-DNA position 3193, G replaced by A.
Protein change: p.Glu1065Lys; replaces glutamic acid 1065 with lysine.
Molecular consequence: missense variant.
Genome position (GRCh38, 1-based): chr19:35,723,866, G>A. VCF-style: chr19-35723866-G-A. GRCh37 (hg19) VCF-style: chr19-36214767-G-A.
Other names: short protein forms E1065K.
Identifiers: ClinVar variation 2500512 (VCV002500512.1), dbSNP rs2513325723, ClinGen allele CA405404509.